The following is an entry in ClinVar:

ClinVar aggregate classification (germline): Benign/Likely benign. Review status: criteria provided, multiple submitters, no conflicts (2 of 4 stars). 3 submissions from 3 submitters: Benign (1); Likely benign (2). Last evaluated 2025-01-07.

Conditions:
Hereditary nonpolyposis colorectal neoplasms. Identifiers: MedGen C0009405, MeSH D003123.
Hereditary cancer-predisposing syndrome. Also called: Neoplastic Syndromes, Hereditary; Tumor predisposition; Hereditary Cancer Syndrome; Hereditary neoplastic syndrome. Identifiers: Orphanet 140162, MedGen C0027672, MeSH D009386, MONDO:0015356.
Lynch syndrome 5 (LYNCH5). Also called: Colorectal cancer, hereditary nonpolyposis, type 5; Hereditary non-polyposis colorectal cancer, type 5. Identifiers: Orphanet 144, MedGen C1833477, MONDO:0013710, OMIM 614350. Disease mechanism: loss of function.

Allele frequency attached by ClinVar (database versions not stated): gnomAD exomes below 0.00001.
gnomAD v4.1: 2 of 1,610,856 alleles (0.00012%); highest among the groups gnomAD compares: South Asian, 0.0011%; no homozygotes.

Submissions (3):

Myriad Genetics, Inc.
Classification: Benign for Lynch syndrome 5. Last evaluated: 2025-01-07. Review status: criteria provided, single submitter. Criteria: Myriad Autosomal Dominant, Autosomal Recessive and X-Linked Classification Criteria (2023). Collection method: clinical testing. Allele origin: unknown.
Comment: This variant is considered benign. This variant is a silent/synonymous amino acid change and it is not expected to impact splicing.

Labcorp Genetics (formerly Invitae), Labcorp
Classification: Likely benign for Hereditary nonpolyposis colorectal neoplasms. Last evaluated: 2022-07-14. Review status: criteria provided, single submitter. Criteria: Invitae Variant Classification Sherloc (09022015). Collection method: clinical testing. Allele origin: germline.

Ambry Genetics
Classification: Likely benign for Hereditary cancer-predisposing syndrome. Last evaluated: 2022-03-04. Review status: criteria provided, single submitter. Criteria: Ambry Variant Classification Scheme 2023. Collection method: clinical testing. Allele origin: germline.

NM_000179.3(MSH6):c.3627G>A (p.Leu1209=)

Gene: MSH6 (mutS homolog 6; plus strand). Cytogenetic location: 2p16.3.
Variant type: single nucleotide variant.
Coding change: c.3627G>A on transcript NM_000179.3 (MANE Select); coding-DNA position 3627, G replaced by A.
Protein change: p.Leu1209=; no amino-acid change (leucine 1209 retained).
Molecular consequence: synonymous variant.
Genome position (GRCh38, 1-based): chr2:47,805,688, G>A. VCF-style: chr2-47805688-G-A. GRCh37 (hg19) VCF-style: chr2-48032827-G-A.
Other names: c.3237G>A, p.Leu1079= (NM_001281492.2); c.2721G>A, p.Leu907= (NM_001281493.2, NM_001281494.2).
Identifiers: ClinVar variation 1630402 (VCV001630402.11), dbSNP rs1256608961, ClinGen allele CA425997295.
Genomic context (GRCh38, chr2:47,805,688, plus strand): 5'-ATTTTTTGTTGAATTAAGTGAAACTGCCAGCATACTCATGCATGCAACAGCACATTCTCT[G>A]GTGCTTGTGGATGAATTAGGTAAGACATTAAACTTCTCATTTGAAGACTATCTATCTTAA-3'
Protein context (NP_000170.1, residues 1199-1219): SILMHATAHS[Leu1209=]VLVDELGRGT